The following is an entry in ClinVar:

ClinVar aggregate classification (germline): Likely benign. Review status: criteria provided, multiple submitters, no conflicts (2 of 4 stars). 2 submissions from 2 submitters: Likely benign (2). Last evaluated 2024-12-19.

Conditions:
Charcot-Marie-Tooth disease axonal type 2O. Also called: CHARCOT-MARIE-TOOTH NEUROPATHY, AXONAL, TYPE 2O; CHARCOT-MARIE-TOOTH DISEASE, AXONAL, AUTOSOMAL DOMINANT, TYPE 2O; Charcot-Marie-Tooth Neuropathy Type 2O; Charcot-Marie-Tooth disease, axonal, type 20. Identifiers: Orphanet 284232, MedGen C3280220, MONDO:0013644, OMIM 614228.
DYNC1H1-related disorder. Also called: DYNC1H1-related condition; DYNC1H1-related disorders. Identifiers: MedGen CN381529.

Submissions (2):

PreventionGenetics, part of Exact Sciences
Classification: Likely benign for DYNC1H1-related condition. Last evaluated: 2024-12-19. Review status: criteria provided, single submitter. Criteria: ACMG Guidelines, 2015. Collection method: clinical testing. Allele origin: germline.
Comment: This variant is classified as likely benign based on ACMG/AMP sequence variant interpretation guidelines (Richards et al. 2015 PMID: 25741868, with internal and published modifications).

Labcorp Genetics (formerly Invitae), Labcorp
Classification: Likely benign for Charcot-Marie-Tooth disease axonal type 2O. Last evaluated: 2023-10-29. Review status: criteria provided, single submitter. Criteria: Invitae Variant Classification Sherloc (09022015). Collection method: clinical testing. Allele origin: germline.

NM_001376.5(DYNC1H1):c.13194C>G (p.Leu4398=)

Gene: DYNC1H1 (dynein cytoplasmic 1 heavy chain 1; plus strand). Cytogenetic location: 14q32.31.
Variant type: single nucleotide variant.
Coding change: c.13194C>G on transcript NM_001376.5 (MANE Select); coding-DNA position 13194, C replaced by G.
Protein change: p.Leu4398=; no amino-acid change (leucine 4398 retained).
Molecular consequence: synonymous variant.
Genome position (GRCh38, 1-based): chr14:102,048,004, C>G. VCF-style: chr14-102048004-C-G. GRCh37 (hg19) VCF-style: chr14-102514341-C-G.
Identifiers: ClinVar variation 2772626 (VCV002772626.4), dbSNP rs2503881182, ClinGen allele CA487969331.